The following is an entry in ClinVar:

ClinVar aggregate classification (germline): Conflicting classifications of pathogenicity. Review status: criteria provided, conflicting classifications (1 of 4 stars). 3 submissions from 3 submitters: Uncertain significance (2); Likely benign (1). Last evaluated 2025-06-24.

Conditions:
Inborn genetic diseases. Identifiers: MedGen C0950123, MeSH D030342.
Hereditary sensory neuropathy-deafness-dementia syndrome. Also called: Hereditary sensory neuropathy type IE; HSN IE; NEUROPATHY, HEREDITARY SENSORY, WITH HEARING LOSS AND DEMENTIA; Hereditary Sensory and Autonomic Neuropathy Type 1E (HSAN1E). Identifiers: Orphanet 456318, MedGen C3279885, MONDO:0013584, OMIM 614116.

Allele frequency attached by ClinVar (database versions not stated): gnomAD exomes 0.00001; ExAC 0.00002; TOPMed 0.00002; gnomAD 0.00003.
gnomAD v4.1: 37 of 1,613,720 alleles (0.0023%); highest among the groups gnomAD compares: East Asian, 0.02%; no homozygotes.

Submissions (3):

Labcorp Genetics (formerly Invitae), Labcorp
Classification: Likely benign for Hereditary sensory neuropathy-deafness-dementia syndrome. Last evaluated: 2025-06-24. Review status: criteria provided, single submitter. Criteria: Invitae Variant Classification Sherloc (09022015). Collection method: clinical testing. Allele origin: germline.

Ambry Genetics
Classification: Uncertain significance for Inborn genetic diseases. Last evaluated: 2019-09-28. Review status: criteria provided, single submitter. Criteria: Ambry Variant Classification Scheme 2023. Collection method: clinical testing. Allele origin: germline.
Comment: The c.3069-4G>A intronic variant results from a G to A substitution 4 nucleotides upstream from coding exon 29 in the DNMT1 gene. This nucleotide position is poorly conserved in available vertebrate species. In silico splice site analysis predicts that this alteration will not have any significant effect on splicing. Since supporting evidence is limited at this time, the clinical significance of this alteration remains unclear.

Illumina Laboratory Services, Illumina
Classification: Uncertain significance for Hereditary sensory neuropathy-deafness-dementia syndrome. Last evaluated: 2018-01-12. Review status: criteria provided, single submitter. Criteria: ICSL Variant Classification Criteria 13 December 2019. Collection method: clinical testing. Allele origin: germline.

NM_001130823.3(DNMT1):c.3117-4G>A

Gene: DNMT1 (DNA methyltransferase 1; minus strand). Cytogenetic location: 19p13.2.
Variant type: single nucleotide variant.
Coding change: c.3117-4G>A on transcript NM_001130823.3 (MANE Select); 4 bases into the intron before coding-DNA position 3117, G replaced by A.
Molecular consequence: intron variant.
Genome position (GRCh38, 1-based): chr19:10,142,224, C>T on the plus strand (G>A on the coding strand, the complement: DNMT1 is on the minus strand). VCF-style: chr19-10142224-C-T. GRCh37 (hg19) VCF-style: chr19-10252900-C-T.
Other names: c.2754-4G>A (NM_001318731.2); c.3069-4G>A (NM_001379.4, NM_001318730.2).
Identifiers: ClinVar variation 891806 (VCV000891806.9), dbSNP rs781402268, ClinGen allele CA9187833.